The following is an entry in ClinVar:

ClinVar aggregate classification (germline): Conflicting classifications of pathogenicity. Review status: criteria provided, conflicting classifications (1 of 4 stars). 4 submissions from 4 submitters: Uncertain significance (1); Likely benign (1). 2 of the submissions do not count toward it. Last evaluated 2025-04-28.

Conditions:
MMAB-related disorder. Also called: MMAB-related condition.
Methylmalonic aciduria, cblB type (MACB). Also called: METHYLMALONIC ACIDURIA, VITAMIN B12-RESPONSIVE, DUE TO DEFECT IN SYNTHESIS OF ADENOSYLCOBALAMIN, cblB TYPE; Vitamin B12-responsive methylmalonic acidemia type cblB; Methylmalonic acidemia cblB type. Identifiers: Orphanet 28, Orphanet 79311, MedGen C1855102, MONDO:0009614, OMIM 251110.

Allele frequency attached by ClinVar (database versions not stated): ExAC 0.00002; gnomAD 0.00005 and 0.00006; TOPMed 0.00007.
gnomAD v4.1: 55 of 1,613,938 alleles (0.0034%); highest among the groups gnomAD compares: African/African-American, 0.031%; no homozygotes.

Submissions (4):

Labcorp Genetics (formerly Invitae), Labcorp
Classification: Likely benign for Methylmalonic aciduria, cblB type. Last evaluated: 2025-04-28. Review status: criteria provided, single submitter. Criteria: Invitae Variant Classification Sherloc (09022015). Collection method: clinical testing. Allele origin: germline.

Illumina Laboratory Services, Illumina
Classification: Uncertain significance for Methylmalonic aciduria, cblB type. Last evaluated: 2018-01-12. Review status: criteria provided, single submitter. Criteria: ICSL Variant Classification Criteria 13 December 2019. Collection method: clinical testing. Allele origin: germline.

PreventionGenetics, part of Exact Sciences
Classification: Likely benign for MMAB-related condition. Last evaluated: 2021-01-13. Review status: no assertion criteria provided. Collection method: clinical testing. Allele origin: germline. Not counted in ClinVar's aggregate classification.
Comment: This variant is classified as likely benign based on ACMG/AMP sequence variant interpretation guidelines (Richards et al. 2015 PMID: 25741868, with internal and published modifications).

Natera, Inc.
Classification: Likely benign for Methylmalonic aciduria cblB type. Last evaluated: 2020-01-13. Review status: no assertion criteria provided. Collection method: clinical testing. Allele origin: germline. Not counted in ClinVar's aggregate classification.

NM_052845.4(MMAB):c.150G>A (p.Ser50=)

Gene: MMAB (metabolism of cobalamin associated B; minus strand). Cytogenetic location: 12q24.11.
Variant type: single nucleotide variant.
Coding change: c.150G>A on transcript NM_052845.4 (MANE Select); coding-DNA position 150, G replaced by A.
Protein change: p.Ser50=; no amino-acid change (serine 50 retained).
Molecular consequence: synonymous variant. On other transcripts: non-coding transcript variant (1).
Genome position (GRCh38, 1-based): chr12:109,571,695, C>T on the plus strand (G>A on the coding strand, the complement: MMAB is on the minus strand). VCF-style: chr12-109571695-C-T. GRCh37 (hg19) VCF-style: chr12-110009500-C-T.
Identifiers: ClinVar variation 706935 (VCV000706935.18), dbSNP rs754357121, ClinGen allele CA6779031.
Genomic context (GRCh38, chr12:109,571,695, plus strand): 5'-TGTCCCCACCCTACCTTTGTCTCCCGTTTTGGTGTAAATCTTGGGGATCCTGGGTGTCTT[C>T]GAGGAAGGCTGTGGCCTAATGAGAAATAAACATCAGTATCTGGTGAGTGGGGATGGCTTA-3'
Protein context (NP_443077.1, residues 40-60): VEDGDRPQPS[Ser50=]KTPRIPKIYT